The following is an entry in ClinVar:

NM_004260.4(RECQL4):c.1462G>A (p.Ala488Thr)

Gene: RECQL4 (RecQ like helicase 4; minus strand). Cytogenetic location: 8q24.3.
Variant type: single nucleotide variant.
Coding change: c.1462G>A on transcript NM_004260.4 (MANE Select); coding-DNA position 1462, G replaced by A.
Protein change: p.Ala488Thr; replaces alanine 488 with threonine.
Molecular consequence: missense variant.
Genome position (GRCh38, 1-based): chr8:144,515,171, C>T on the plus strand (G>A on the coding strand, the complement: RECQL4 is on the minus strand). VCF-style: chr8-144515171-C-T. GRCh37 (hg19) VCF-style: chr8-145740555-C-T.
Other names: short protein forms A488T.
Identifiers: ClinVar variation 572980 (VCV000572980.5), dbSNP rs925075047, ClinGen allele CA187687179.

ClinVar aggregate classification (germline): Uncertain significance. Review status: criteria provided, multiple submitters, no conflicts (2 of 4 stars). 2 submissions from 2 submitters: Uncertain significance (2). Last evaluated 2025-07-07.

Conditions:
Inborn genetic diseases. Identifiers: MedGen C0950123, MeSH D030342.
Baller-Gerold syndrome (BGS). Also called: CRANIOSYNOSTOSIS WITH RADIAL DEFECTS. Identifiers: Orphanet 1225, MedGen C0265308, MONDO:0009039, OMIM 218600.

Allele frequency attached by ClinVar (database versions not stated): gnomAD exomes below 0.00001; TOPMed below 0.00001; gnomAD 0.00001.

Submissions (2):

Ambry Genetics
Classification: Uncertain significance for Inborn genetic diseases. Last evaluated: 2025-07-07. Review status: criteria provided, single submitter. Criteria: Ambry Variant Classification Scheme 2023. Collection method: clinical testing. Allele origin: germline.
Comment: The p.A488T variant (also known as c.1462G>A), located in coding exon 8 of the RECQL4 gene, results from a G to A substitution at nucleotide position 1462. The alanine at codon 488 is replaced by threonine, an amino acid with similar properties. This amino acid position is conserved. In addition, this alteration is predicted to be tolerated by in silico analysis. Based on the available evidence, the clinical significance of this variant remains unclear.

Labcorp Genetics (formerly Invitae), Labcorp
Classification: Uncertain significance for Baller-Gerold syndrome. Last evaluated: 2023-01-15. Review status: criteria provided, single submitter. Criteria: Invitae Variant Classification Sherloc (09022015). Collection method: clinical testing. Allele origin: germline.
Comment: This sequence change replaces alanine, which is neutral and non-polar, with threonine, which is neutral and polar, at codon 488 of the RECQL4 protein (p.Ala488Thr). This variant is present in population databases (no rsID available, gnomAD 0.007%). This variant has not been reported in the literature in individuals affected with RECQL4-related conditions. ClinVar contains an entry for this variant (Variation ID: 572980). Advanced modeling of protein sequence and biophysical properties (such as structural, functional, and spatial information, amino acid conservation, physicochemical variation, residue mobility, and thermodynamic stability) performed at Invitae indicates that this missense variant is not expected to disrupt RECQL4 protein function. In summary, the available evidence is currently insufficient to determine the role of this variant in disease. Therefore, it has been classified as a Variant of Uncertain Significance.